The following is an entry in ClinVar:

ClinVar aggregate classification (germline): Likely benign (0 of 4 stars; one submission).

Conditions:
PLXNA4-related disorder. Also called: PLXNA4-related condition.

Allele frequency attached by ClinVar (database versions not stated): ExAC 0.00033; ESP Exome Variant Server 0.00071; gnomAD 0.00099; TOPMed 0.00119; 1000 Genomes Project 0.00120; 1000 Genomes Project 30x 0.00172.
gnomAD v4.1: 317 of 1,610,016 alleles (0.02%); highest among the groups gnomAD compares: African/African-American, 0.36%; 1 homozygote.

Submission:

PreventionGenetics, part of Exact Sciences
Classification: Likely benign for PLXNA4-related condition. Last evaluated: 2021-08-10. Review status: no assertion criteria provided. Collection method: clinical testing. Allele origin: germline.
Comment: This variant is classified as likely benign based on ACMG/AMP sequence variant interpretation guidelines (Richards et al. 2015 PMID: 25741868, with internal and published modifications).

NM_020911.2(PLXNA4):c.3663C>T (p.Tyr1221=)

Gene: PLXNA4 (plexin A4; minus strand). Cytogenetic location: 7q32.3.
Variant type: single nucleotide variant.
Coding change: c.3663C>T on transcript NM_020911.2 (MANE Select); coding-DNA position 3663, C replaced by T.
Protein change: p.Tyr1221=; no amino-acid change (tyrosine 1221 retained).
Molecular consequence: synonymous variant.
Genome position (GRCh38, 1-based): chr7:132,179,898, G>A on the plus strand (C>T on the coding strand, the complement: PLXNA4 is on the minus strand). VCF-style: chr7-132179898-G-A. GRCh37 (hg19) VCF-style: chr7-131864657-G-A.
Other names: c.3663C>T, p.Tyr1221= (NM_001393897.1).
Identifiers: ClinVar variation 3041578 (VCV003041578.2), dbSNP rs374317794, ClinGen allele CA4489417.